The following is an entry in ClinVar:

NM_024656.4(COLGALT1):c.1744G>A (p.Val582Ile)

Gene: COLGALT1 (collagen beta(1-O)galactosyltransferase 1; plus strand). Cytogenetic location: 19p13.11.
Variant type: single nucleotide variant.
Coding change: c.1744G>A on transcript NM_024656.4 (MANE Select); coding-DNA position 1744, G replaced by A.
Protein change: p.Val582Ile; replaces valine 582 with isoleucine.
Molecular consequence: missense variant.
Genome position (GRCh38, 1-based): chr19:17,581,319, G>A. VCF-style: chr19-17581319-G-A. GRCh37 (hg19) VCF-style: chr19-17692128-G-A.
Other names: short protein forms V582I.
Identifiers: ClinVar variation 2077077 (VCV002077077.3), dbSNP rs550646432, ClinGen allele CA9297421.

ClinVar aggregate classification (germline): Uncertain significance (1 of 4 stars; one submission).

Allele frequency attached by ClinVar (database versions not stated): gnomAD 0.00005; TOPMed 0.00006; gnomAD exomes 0.00014; ExAC 0.00030; 1000 Genomes Project 30x 0.00031; 1000 Genomes Project 0.00040.
gnomAD v4.1: 201 of 1,613,414 alleles (0.012%); highest among the groups gnomAD compares: South Asian, 0.18%; 1 homozygote.

Submission:

Labcorp Genetics (formerly Invitae), Labcorp
Classification: Uncertain significance. Last evaluated: 2024-08-12. Review status: criteria provided, single submitter. Criteria: Invitae Variant Classification Sherloc (09022015). Collection method: clinical testing. Allele origin: germline.
Comment: This sequence change replaces valine, which is neutral and non-polar, with isoleucine, which is neutral and non-polar, at codon 582 of the COLGALT1 protein (p.Val582Ile). This variant is present in population databases (rs550646432, gnomAD 0.2%). This variant has not been reported in the literature in individuals affected with COLGALT1-related conditions. ClinVar contains an entry for this variant (Variation ID: 2077077). Advanced modeling of protein sequence and biophysical properties (such as structural, functional, and spatial information, amino acid conservation, physicochemical variation, residue mobility, and thermodynamic stability) performed at Invitae indicates that this missense variant is not expected to disrupt COLGALT1 protein function with a negative predictive value of 80%. In summary, the available evidence is currently insufficient to determine the role of this variant in disease. Therefore, it has been classified as a Variant of Uncertain Significance.